The following is an entry in ClinVar:

ClinVar aggregate classification (germline): Uncertain significance (1 of 4 stars; one submission).

Conditions:
Dyskeratosis congenita. Identifiers: Orphanet 1775, MedGen C0265965, MONDO:0015780.

Allele frequency attached by ClinVar (database versions not stated): gnomAD exomes below 0.00001.
gnomAD v4.1: 1 of 1,553,000 alleles (0.000064%); highest among the groups gnomAD compares: Non-Finnish European, 0.000087%; no homozygotes.

Submission:

Labcorp Genetics (formerly Invitae), Labcorp
Classification: Uncertain significance for Dyskeratosis congenita. Last evaluated: 2023-01-09. Review status: criteria provided, single submitter. Criteria: Invitae Variant Classification Sherloc (09022015). Collection method: clinical testing. Allele origin: germline.
Comment: In summary, the available evidence is currently insufficient to determine the role of this variant in disease. Therefore, it has been classified as a Variant of Uncertain Significance. Advanced modeling of protein sequence and biophysical properties (such as structural, functional, and spatial information, amino acid conservation, physicochemical variation, residue mobility, and thermodynamic stability) performed at Invitae indicates that this missense variant is not expected to disrupt CTC1 protein function. This variant has not been reported in the literature in individuals affected with CTC1-related conditions. This variant is not present in population databases (gnomAD no frequency). This sequence change replaces leucine, which is neutral and non-polar, with phenylalanine, which is neutral and non-polar, at codon 734 of the CTC1 protein (p.Leu734Phe).

NM_025099.6(CTC1):c.2202G>C (p.Leu734Phe)

Gene: CTC1 (CST telomere replication complex component 1; minus strand). Cytogenetic location: 17p13.1.
Variant type: single nucleotide variant.
Coding change: c.2202G>C on transcript NM_025099.6 (MANE Select); coding-DNA position 2202, G replaced by C.
Protein change: p.Leu734Phe; replaces leucine 734 with phenylalanine.
Molecular consequence: missense variant. On other transcripts: non-coding transcript variant (1).
Genome position (GRCh38, 1-based): chr17:8,232,086, C>G on the plus strand (G>C on the coding strand, the complement: CTC1 is on the minus strand). VCF-style: chr17-8232086-C-G. GRCh37 (hg19) VCF-style: chr17-8135404-C-G.
Other names: c.2202G>C, p.Leu734Phe (NM_001411067.1); short protein forms L734F.
Identifiers: ClinVar variation 2999020 (VCV002999020.3), dbSNP rs2507898201, ClinGen allele CA397978351.